The following is an entry in ClinVar:

NM_007186.6(CEP250):c.3671G>A (p.Arg1224Lys)

Gene: CEP250 (centrosomal protein 250; plus strand). Cytogenetic location: 20q11.22.
Variant type: single nucleotide variant.
Coding change: c.3671G>A on transcript NM_007186.6 (MANE Select); coding-DNA position 3671, G replaced by A.
Protein change: p.Arg1224Lys; replaces arginine 1224 with lysine.
Molecular consequence: missense variant.
Genome position (GRCh38, 1-based): chr20:35,498,610, G>A. VCF-style: chr20-35498610-G-A. GRCh37 (hg19) VCF-style: chr20-34086439-G-A.
Other names: c.1775G>A, p.Arg592Lys (NM_001318219.1); short protein forms R1224K, R592K.
Identifiers: ClinVar variation 1506808 (VCV001506808.5), dbSNP rs748250345, ClinGen allele CA9833531.
Genomic context (GRCh38, chr20:35,498,610, plus strand): 5'-TTTCATAGTGGCAGCCAGGTAAGGAGGTTTTCCTCATTTTTTCAGACCAGAATGGAGCTA[G>A]GAGCCTCTTTAAGAGAGGGCCCCTGCTGACTGCTCTCTCCGCTGAGGCAGTAGCATCTGC-3'
Protein context (NP_009117.2, residues 1214-1234): WGLEPDQNGA[Arg1224Lys]SLFKRGPLLT

ClinVar aggregate classification (germline): Uncertain significance (1 of 4 stars; one submission).

Allele frequency attached by ClinVar (database versions not stated): TOPMed below 0.00001; ExAC 0.00001.
gnomAD v4.1: 2 of 1,604,484 alleles (0.00012%); highest among the groups gnomAD compares: Admixed American, 0.0018%; no homozygotes.

Submission:

Labcorp Genetics (formerly Invitae), Labcorp
Classification: Uncertain significance. Last evaluated: 2022-04-16. Review status: criteria provided, single submitter. Criteria: Invitae Variant Classification Sherloc (09022015). Collection method: clinical testing. Allele origin: germline.
Comment: This sequence change replaces arginine, which is basic and polar, with lysine, which is basic and polar, at codon 1224 of the CEP250 protein (p.Arg1224Lys). This variant is present in population databases (rs748250345, gnomAD 0.003%). This variant has not been reported in the literature in individuals affected with CEP250-related conditions. Algorithms developed to predict the effect of missense changes on protein structure and function are either unavailable or do not agree on the potential impact of this missense change (SIFT: "Not Available"; PolyPhen-2: "Benign"; Align-GVGD: "Not Available"). In summary, the available evidence is currently insufficient to determine the role of this variant in disease. Therefore, it has been classified as a Variant of Uncertain Significance.